The following is an entry in ClinVar:

NM_000130.5(F5):c.4409G>A (p.Ser1470Asn)

Gene: F5 (coagulation factor V; minus strand). Cytogenetic location: 1q24.2.
Variant type: single nucleotide variant.
Coding change: c.4409G>A on transcript NM_000130.5 (MANE Select); coding-DNA position 4409, G replaced by A.
Protein change: p.Ser1470Asn; replaces serine 1470 with asparagine.
Molecular consequence: missense variant.
Genome position (GRCh38, 1-based): chr1:169,540,681, C>T on the plus strand (G>A on the coding strand, the complement: F5 is on the minus strand). VCF-style: chr1-169540681-C-T. GRCh37 (hg19) VCF-style: chr1-169509919-C-T.
Other names: short protein forms S1470N.
Identifiers: ClinVar variation 3730175 (VCV003730175.2).
Genomic context (GRCh38, chr1:169,540,681, plus strand): 5'-ATCTGACCAAGGTCTGGATAAGGAAAAGACTCATTAAATTCTTGAAGAAGCAATGACTGA[C>T]TAGATTCAGAAGGGTAGAATATCTGATCAAGGTCTGGAGGAGGTGATATCTGGCTGAGAT-3'
Protein context (NP_000121.2, residues 1460-1480): LDQIFYPSES[Ser1470Asn]QSLLLQEFNE

ClinVar aggregate classification (germline): Uncertain significance (1 of 4 stars; one submission).

Conditions:
Congenital factor V deficiency. Also called: Hereditary factor V deficiency disease; LABILE FACTOR DEFICIENCY; OWREN PARAHEMOPHILIA; PARAHEMOPHILIA. Identifiers: Orphanet 326, MedGen C0015499, MONDO:0009210, OMIM 227400.

Submission:

Labcorp Genetics (formerly Invitae), Labcorp
Classification: Uncertain significance for Congenital factor V deficiency. Last evaluated: 2024-09-10. Review status: criteria provided, single submitter. Criteria: Invitae Variant Classification Sherloc (09022015). Collection method: clinical testing. Allele origin: germline.
Comment: This sequence change replaces serine, which is neutral and polar, with asparagine, which is neutral and polar, at codon 1470 of the F5 protein (p.Ser1470Asn). This variant is not present in population databases (gnomAD no frequency). This variant has not been reported in the literature in individuals affected with F5-related conditions. Invitae Evidence Modeling of protein sequence and biophysical properties (such as structural, functional, and spatial information, amino acid conservation, physicochemical variation, residue mobility, and thermodynamic stability) indicates that this missense variant is not expected to disrupt F5 protein function with a negative predictive value of 80%. In summary, the available evidence is currently insufficient to determine the role of this variant in disease. Therefore, it has been classified as a Variant of Uncertain Significance.